The following is an entry in ClinVar:

ClinVar aggregate classification (germline): Uncertain significance (1 of 4 stars; one submission).

Conditions:
Inborn genetic diseases. Identifiers: MedGen C0950123, MeSH D030342.

Submission:

Ambry Genetics
Classification: Uncertain significance for Inborn genetic diseases. Last evaluated: 2025-08-10. Review status: criteria provided, single submitter. Criteria: Ambry Variant Classification Scheme 2023. Collection method: clinical testing. Allele origin: germline.
Comment: The p.M1028R variant (also known as c.3083T>G), located in coding exon 13 of the BMPR2 gene, results from a T to G substitution at nucleotide position 3083. The methionine at codon 1028 is replaced by arginine, an amino acid with similar properties. This amino acid position is conserved. In addition, this alteration is predicted to be tolerated by in silico analysis. Based on the available evidence, the clinical significance of this variant remains unclear.

NM_001204.7(BMPR2):c.3083T>G (p.Met1028Arg)

Gene: BMPR2 (bone morphogenetic protein receptor type 2; plus strand). Cytogenetic location: 2q33.2.
Variant type: single nucleotide variant.
Coding change: c.3083T>G on transcript NM_001204.7 (MANE Select); coding-DNA position 3083, T replaced by G.
Protein change: p.Met1028Arg; replaces methionine 1028 with arginine.
Molecular consequence: missense variant.
Genome position (GRCh38, 1-based): chr2:202,559,912, T>G. VCF-style: chr2-202559912-T-G. GRCh37 (hg19) VCF-style: chr2-203424635-T-G.
Other names: short protein forms M1028R.
Identifiers: ClinVar variation 4214494 (VCV004214494.1).